The following is an entry in ClinVar:

ClinVar aggregate classification (germline): Conflicting classifications of pathogenicity. Review status: criteria provided, conflicting classifications (1 of 4 stars). 5 submissions from 5 submitters: Uncertain significance (1); Likely benign (3). 1 of the submissions does not count toward it. Last evaluated 2025-12-17.

Conditions:
Glycosylphosphatidylinositol biosynthesis defect 15. Also called: DEVELOPMENTAL DELAY, EPILEPSY, CEREBELLAR ATROPHY, AND OSTEOPENIA. Identifiers: Orphanet 529665, MedGen C4540520, MONDO:0060627, OMIM 617810.
GPAA1-related disorder. Also called: GPAA1-related condition.

Allele frequency attached by ClinVar (database versions not stated): gnomAD 0.00104 and 0.00108; ESP Exome Variant Server 0.00106; TOPMed 0.00107; gnomAD exomes 0.00115; ExAC 0.00133.

Submissions (5):

Labcorp Genetics (formerly Invitae), Labcorp
Classification: Likely benign. Last evaluated: 2025-12-17. Review status: criteria provided, single submitter. Criteria: Invitae Variant Classification Sherloc (09022015). Collection method: clinical testing. Allele origin: germline.

Revvity Omics, Revvity
Classification: Uncertain significance for Glycosylphosphatidylinositol biosynthesis defect 15. Last evaluated: 2025-01-17. Review status: criteria provided, single submitter. Criteria: ACMG Guidelines, 2015. Collection method: clinical testing. Allele origin: germline.

CeGaT Center for Human Genetics Tuebingen
Classification: Likely benign. Last evaluated: 2024-09-01. Review status: criteria provided, single submitter. Criteria: CeGaT Center For Human Genetics Tuebingen Variant Classification Criteria Version 2. Collection method: clinical testing. Allele origin: germline. Affected: yes. Observed: 3 variant alleles.
Comment: GPAA1: BS1

Breakthrough Genomics
Classification: Likely benign. Review status: criteria provided, single submitter. Criteria: ACMG Guidelines, 2015. Collection method: not provided. Allele origin: germline. Inheritance: Autosomal recessive inheritance. Affected: yes.

PreventionGenetics, part of Exact Sciences
Classification: Likely benign for GPAA1-related condition. Last evaluated: 2022-04-05. Review status: no assertion criteria provided. Collection method: clinical testing. Allele origin: germline. Not counted in ClinVar's aggregate classification.
Comment: This variant is classified as likely benign based on ACMG/AMP sequence variant interpretation guidelines (Richards et al. 2015 PMID: 25741868, with internal and published modifications).

NM_003801.4(GPAA1):c.1863G>T (p.Lys621Asn)

Gene: GPAA1 (glycosylphosphatidylinositol anchor attachment 1; plus strand). Cytogenetic location: 8q24.3.
Variant type: single nucleotide variant.
Coding change: c.1863G>T on transcript NM_003801.4 (MANE Select); coding-DNA position 1863, G replaced by T.
Protein change: p.Lys621Asn; replaces lysine 621 with asparagine.
Molecular consequence: missense variant.
Genome position (GRCh38, 1-based): chr8:144,086,122, G>T. VCF-style: chr8-144086122-G-T. GRCh37 (hg19) VCF-style: chr8-145141025-G-T.
Other names: c.1863G>T (NM_003801.3); short protein forms K621N.
Identifiers: ClinVar variation 1111831 (VCV001111831.37), dbSNP rs13255101, ClinGen allele CA4933271.